The following is an entry in ClinVar:

NM_000038.6(APC):c.3967G>T (p.Val1323Phe)

Gene: APC (APC regulator of Wnt signaling pathway; plus strand). Cytogenetic location: 5q22.2.
Variant type: single nucleotide variant.
Coding change: c.3967G>T on transcript NM_000038.6 (MANE Select); coding-DNA position 3967, G replaced by T.
Protein change: p.Val1323Phe; replaces valine 1323 with phenylalanine.
Molecular consequence: missense variant.
Genome position (GRCh38, 1-based): chr5:112,839,561, G>T. VCF-style: chr5-112839561-G-T. GRCh37 (hg19) VCF-style: chr5-112175258-G-T.
Other names: c.3967G>T, p.Val1323Phe (NM_001407450.1, NM_001127510.3, NM_001354895.2); c.3946G>T, p.Val1316Phe (NM_001407451.1); c.4021G>T, p.Val1341Phe (NM_001407449.1, NM_001407447.1, NM_001407448.1 and 1 more transcripts); c.2815G>T, p.Val939Phe (NM_001407472.1, NM_001407471.1); c.3913G>T, p.Val1305Phe (NM_001127511.3); c.3997G>T, p.Val1333Phe (NM_001354897.2); c.3892G>T, p.Val1298Phe (NM_001354898.2); c.3883G>T, p.Val1295Phe (NM_001354899.2); and 11 more; short protein forms V1040F, V1194F, V1197F, V1232F, V1298F, V1313F, V1163F, V1240F.
Identifiers: ClinVar variation 1736567 (VCV001736567.3), dbSNP rs1765571035, ClinGen allele CA16030035.
Genomic context (GRCh38, chr5:112,839,561, plus strand): 5'-CAAATAGCAGAAATAAAAGAAAAGATTGGAACTAGGTCAGCTGAAGATCCTGTGAGCGAA[G>T]TTCCAGCAGTGTCACAGCACCCTAGAACCAAATCCAGCAGACTGCAGGGTTCTAGTTTAT-3'
Protein context (NP_000029.2, residues 1313-1333): TRSAEDPVSE[Val1323Phe]PAVSQHPRTK

ClinVar aggregate classification (germline): Uncertain significance. Review status: criteria provided, multiple submitters, no conflicts (2 of 4 stars). 2 submissions from 2 submitters: Uncertain significance (2). Last evaluated 2025-03-12.

Conditions:
Hereditary cancer-predisposing syndrome. Also called: Neoplastic Syndromes, Hereditary; Tumor predisposition; Hereditary Cancer Syndrome; Hereditary neoplastic syndrome. Identifiers: Orphanet 140162, MedGen C0027672, MeSH D009386, MONDO:0015356.
Familial adenomatous polyposis 1 (FAP1). Also called: FAMILIAL ADENOMATOUS POLYPOSIS 1, ATTENUATED; POLYPOSIS, ADENOMATOUS INTESTINAL. Identifiers: MedGen C2713442, MONDO:0021056, OMIM 175100. Disease mechanism: loss of function.

Submissions (2):

Labcorp Genetics (formerly Invitae), Labcorp
Classification: Uncertain significance for Familial adenomatous polyposis 1. Last evaluated: 2025-03-12. Review status: criteria provided, single submitter. Criteria: Invitae Variant Classification Sherloc (09022015). Collection method: clinical testing. Allele origin: germline.
Comment: This sequence change replaces valine, which is neutral and non-polar, with phenylalanine, which is neutral and non-polar, at codon 1323 of the APC protein (p.Val1323Phe). This variant is not present in population databases (gnomAD no frequency). This variant has not been reported in the literature in individuals affected with APC-related conditions. ClinVar contains an entry for this variant (Variation ID: 1736567). Invitae Evidence Modeling of protein sequence and biophysical properties (such as structural, functional, and spatial information, amino acid conservation, physicochemical variation, residue mobility, and thermodynamic stability) indicates that this missense variant is not expected to disrupt APC protein function with a negative predictive value of 95%. In summary, the available evidence is currently insufficient to determine the role of this variant in disease. Therefore, it has been classified as a Variant of Uncertain Significance.

Ambry Genetics
Classification: Uncertain significance for Hereditary cancer-predisposing syndrome. Last evaluated: 2022-06-07. Review status: criteria provided, single submitter. Criteria: Ambry Variant Classification Scheme 2023. Collection method: clinical testing. Allele origin: germline.
Comment: The p.V1323F variant (also known as c.3967G>T), located in coding exon 15 of the APC gene, results from a G to T substitution at nucleotide position 3967. The valine at codon 1323 is replaced by phenylalanine, an amino acid with highly similar properties. This amino acid position is conserved. In addition, in silico predictors for this gene do not accurately predict pathogenicity. Since supporting evidence is limited at this time, the clinical significance of this alteration remains unclear.